The following is an entry in ClinVar:

NM_001103.4(ACTN2):c.2609C>T (p.Ser870Leu)

Gene: ACTN2 (actinin alpha 2; plus strand). Cytogenetic location: 1q43.
Variant type: single nucleotide variant.
Coding change: c.2609C>T on transcript NM_001103.4 (MANE Select); coding-DNA position 2609, C replaced by T.
Protein change: p.Ser870Leu; replaces serine 870 with leucine.
Molecular consequence: missense variant.
Genome position (GRCh38, 1-based): chr1:236,762,543, C>T. VCF-style: chr1-236762543-C-T. GRCh37 (hg19) VCF-style: chr1-236925843-C-T.
Other names: c.2609C>T, p.Ser870Leu (NM_001278343.2); c.1985C>T, p.Ser662Leu (NM_001278344.2); short protein forms S870L, S662L.
Identifiers: ClinVar variation 532039 (VCV000532039.13), dbSNP rs368754823, ClinGen allele CA1473502.
Genomic context (GRCh38, chr1:236,762,543, plus strand): 5'-TGCGTCGGGAGCTGCCCCCGGATCAGGCCCAGTACTGCATCAAGAGGATGCCCGCCTACT[C>T]GGGCCCAGGCAGTGTGCCTGGTGCACTGGATTACGCTGCGTTCTCTTCCGCACTCTACGG-3'
Protein context (NP_001094.1, residues 860-880): QYCIKRMPAY[Ser870Leu]GPGSVPGALD

ClinVar aggregate classification (germline): Uncertain significance. Review status: criteria provided, multiple submitters, no conflicts (2 of 4 stars). 4 submissions from 4 submitters: Uncertain significance (4). Last evaluated 2025-06-28.

Conditions:
Cardiovascular phenotype. Identifiers: MedGen CN230736.
Dilated cardiomyopathy 1AA (CMD1AA). Also called: CARDIOMYOPATHY, DILATED, 1AA, WITH OR WITHOUT LEFT VENTRICULAR NONCOMPACTION; CARDIOMYOPATHY, FAMILIAL HYPERTROPHIC, 23, WITH OR WITHOUT LEFT VENTRICULAR NONCOMPACTION; Cardiomyopathy, dilated, 1AA, with or without LVNC. Identifiers: Orphanet 154, MedGen C2677338, MONDO:0012808, OMIM 612158.
Primary familial hypertrophic cardiomyopathy (HCM). Identifiers: Orphanet 99739, MedGen C0949658, MeSH D024741, MONDO:0024573. Inheritance: Various modes of inheritance.
Cardiomyopathy (CMYO). Also called: Cardiomyopathies. Identifiers: Orphanet 167848, MedGen C0878544, MONDO:0004994, HP:0001638. Inheritance: Various modes of inheritance.

Allele frequency attached by ClinVar (database versions not stated): gnomAD exomes below 0.00001 and 0.00001; ExAC 0.00001; gnomAD 0.00001; TOPMed 0.00003; ESP Exome Variant Server 0.00015.
gnomAD v4.1: 9 of 1,614,044 alleles (0.00056%); highest among the groups gnomAD compares: African/African-American, 0.0013%; no homozygotes.

Submissions (4):

Ambry Genetics
Classification: Uncertain significance for Cardiovascular phenotype. Last evaluated: 2025-06-28. Review status: criteria provided, single submitter. Criteria: Ambry Variant Classification Scheme 2023. Collection method: clinical testing. Allele origin: germline.
Comment: The p.S870L variant (also known as c.2609C>T), located in coding exon 21 of the ACTN2 gene, results from a C to T substitution at nucleotide position 2609. The serine at codon 870 is replaced by leucine, an amino acid with dissimilar properties. This amino acid position is conserved. In addition, this alteration is predicted to be tolerated by in silico analysis. Based on the available evidence, the clinical significance of this variant remains unclear.

Labcorp Genetics (formerly Invitae), Labcorp
Classification: Uncertain significance for Primary familial hypertrophic cardiomyopathy; Dilated cardiomyopathy 1AA. Last evaluated: 2024-10-18. Review status: criteria provided, single submitter. Criteria: Invitae Variant Classification Sherloc (09022015). Collection method: clinical testing. Allele origin: germline.
Comment: This sequence change replaces serine, which is neutral and polar, with leucine, which is neutral and non-polar, at codon 870 of the ACTN2 protein (p.Ser870Leu). This variant is present in population databases (rs368754823, gnomAD 0.002%). This variant has not been reported in the literature in individuals affected with ACTN2-related conditions. ClinVar contains an entry for this variant (Variation ID: 532039). Invitae Evidence Modeling of protein sequence and biophysical properties (such as structural, functional, and spatial information, amino acid conservation, physicochemical variation, residue mobility, and thermodynamic stability) indicates that this missense variant is not expected to disrupt ACTN2 protein function with a negative predictive value of 80%. In summary, the available evidence is currently insufficient to determine the role of this variant in disease. Therefore, it has been classified as a Variant of Uncertain Significance.

GeneDx
Classification: Uncertain significance. Last evaluated: 2024-09-03. Review status: criteria provided, single submitter. Criteria: GeneDx Variant Classification Process June 2021. Collection method: clinical testing. Allele origin: germline. Affected: yes.
Comment: Has not been previously published as pathogenic or benign to our knowledge; Not observed at significant frequency in large population cohorts (gnomAD); In silico analysis indicates that this missense variant does not alter protein structure/function

CHEO Genetics Diagnostic Laboratory, Children's Hospital of Eastern Ontario
Classification: Uncertain significance for Cardiomyopathy. Last evaluated: 2015-12-07. Review status: criteria provided, single submitter. Criteria: ACMG Guidelines, 2015. Collection method: clinical testing. Allele origin: germline. Study: Canadian Open Genetics Repository.